The following is an entry in ClinVar:

NM_002473.6(MYH9):c.3215C>A (p.Ala1072Glu)

Gene: MYH9 (myosin heavy chain 9; minus strand). Cytogenetic location: 22q12.3.
Variant type: single nucleotide variant.
Coding change: c.3215C>A on transcript NM_002473.6 (MANE Select); coding-DNA position 3215, C replaced by A.
Protein change: p.Ala1072Glu; replaces alanine 1072 with glutamic acid.
Molecular consequence: missense variant.
Genome position (GRCh38, 1-based): chr22:36,296,900, G>T on the plus strand (C>A on the coding strand, the complement: MYH9 is on the minus strand). VCF-style: chr22-36296900-G-T. GRCh37 (hg19) VCF-style: chr22-36692946-G-T.
Other names: short protein forms A1072E.
Identifiers: ClinVar variation 2817189 (VCV002817189.3), dbSNP rs1556631812, ClinGen allele CA411389401.

ClinVar aggregate classification (germline): Uncertain significance (1 of 4 stars; one submission).

Submission:

Labcorp Genetics (formerly Invitae), Labcorp
Classification: Uncertain significance. Last evaluated: 2022-11-28. Review status: criteria provided, single submitter. Criteria: Invitae Variant Classification Sherloc (09022015). Collection method: clinical testing. Allele origin: germline.
Comment: This variant is not present in population databases (gnomAD no frequency). This sequence change replaces alanine, which is neutral and non-polar, with glutamic acid, which is acidic and polar, at codon 1072 of the MYH9 protein (p.Ala1072Glu). This variant has not been reported in the literature in individuals affected with MYH9-related conditions. Advanced modeling of protein sequence and biophysical properties (such as structural, functional, and spatial information, amino acid conservation, physicochemical variation, residue mobility, and thermodynamic stability) performed at Invitae indicates that this missense variant is not expected to disrupt MYH9 protein function. In summary, the available evidence is currently insufficient to determine the role of this variant in disease. Therefore, it has been classified as a Variant of Uncertain Significance.